The following is an entry in ClinVar:

ClinVar aggregate classification (germline): Likely benign. Review status: criteria provided, multiple submitters, no conflicts (2 of 4 stars). 3 submissions from 3 submitters: Likely benign (3). Last evaluated 2025-11-03.

Conditions:
Cardiovascular phenotype. Identifiers: MedGen CN230736.
Long QT syndrome (LQTS). Identifiers: MedGen C0023976, MeSH D008133, MONDO:0002442. Disease mechanism: loss of function. Inheritance: Various modes of inheritance.

Allele frequency attached by ClinVar (database versions not stated): ExAC 0.00002; gnomAD exomes 0.00003 and 0.00004; ESP Exome Variant Server 0.00008; gnomAD 0.00018 and 0.00021; TOPMed 0.00030.
gnomAD v4.1: 69 of 1,613,938 alleles (0.0043%); highest among the groups gnomAD compares: African/African-American, 0.077%; no homozygotes.

Submissions (3):

Labcorp Genetics (formerly Invitae), Labcorp
Classification: Likely benign for Long QT syndrome. Last evaluated: 2025-11-03. Review status: criteria provided, single submitter. Criteria: Invitae Variant Classification Sherloc (09022015). Collection method: clinical testing. Allele origin: germline.

CeGaT Center for Human Genetics Tuebingen
Classification: Likely benign. Last evaluated: 2023-04-01. Review status: criteria provided, single submitter. Criteria: CeGaT Center For Human Genetics Tuebingen Variant Classification Criteria Version 2. Collection method: clinical testing. Allele origin: germline. Affected: yes. Observed: 1 variant allele.
Comment: AKAP9: BP4, BP7

Ambry Genetics
Classification: Likely benign for Cardiovascular phenotype. Last evaluated: 2019-11-06. Review status: criteria provided, single submitter. Criteria: Ambry Variant Classification Scheme 2023. Collection method: clinical testing. Allele origin: germline.

NM_005751.5(AKAP9):c.10518C>T (p.Thr3506=)

Gene: AKAP9 (A-kinase anchoring protein 9; plus strand). Cytogenetic location: 7q21.2.
Variant type: single nucleotide variant.
Coding change: c.10518C>T on transcript NM_005751.5 (MANE Select); coding-DNA position 10518, C replaced by T.
Protein change: p.Thr3506=; no amino-acid change (threonine 3506 retained).
Molecular consequence: synonymous variant.
Genome position (GRCh38, 1-based): chr7:92,097,705, C>T. VCF-style: chr7-92097705-C-T. GRCh37 (hg19) VCF-style: chr7-91727019-C-T.
Other names: c.5163C>T, p.Thr1721= (NM_001379277.1); c.10494C>T, p.Thr3498= (NM_147185.3).
Identifiers: ClinVar variation 417024 (VCV000417024.35), dbSNP rs377663331, ClinGen allele CA4337964.
Genomic context (GRCh38, chr7:92,097,705, plus strand): 5'-AGAAGGAGAAACAAAAGAATCAAACTACGCTAAATTGATTGAAATGAATGGAGGAGGAAC[C>T]GGCTGTAATCATGAATTAGAAATGATCAGACAAAAGCTTCAATGTGTAGCTTCAAAACTA-3'
Protein context (NP_005742.4, residues 3496-3516): AKLIEMNGGG[Thr3506=]GCNHELEMIR